The following is an entry in ClinVar:

NM_001099922.3(ALG13):c.3260C>T (p.Pro1087Leu)

Gene: ALG13 (ALG13 UDP-N-acetylglucosaminyltransferase subunit; plus strand). Cytogenetic location: Xq23.
Variant type: single nucleotide variant.
Coding change: c.3260C>T on transcript NM_001099922.3 (MANE Select); coding-DNA position 3260, C replaced by T.
Protein change: p.Pro1087Leu; replaces proline 1087 with leucine.
Molecular consequence: missense variant. On other transcripts: non-coding transcript variant (1).
Genome position (GRCh38, 1-based): chrX:111,759,845, C>T. VCF-style: chrX-111759845-C-T. GRCh37 (hg19) VCF-style: chrX-111003073-C-T.
Other names: c.3260C>T (NM_001099922.2); c.2711C>T, p.Pro904Leu (NM_001257230.2, NM_001257234.2, NM_001257237.2); c.3026C>T, p.Pro1009Leu (NM_001257231.2); c.3023C>T, p.Pro1008Leu (NM_001324292.2); c.2537C>T, p.Pro846Leu (NM_001324293.1); short protein forms P1009L, P1008L, P904L, P1087L, P846L.
Identifiers: ClinVar variation 1040885 (VCV001040885.7), dbSNP rs1945596491, ClinGen allele CA414293380.

ClinVar aggregate classification (germline): Uncertain significance. Review status: criteria provided, multiple submitters, no conflicts (2 of 4 stars). 2 submissions from 2 submitters: Uncertain significance (2). Last evaluated 2024-06-17.

Conditions:
Developmental and epileptic encephalopathy, 36 (DEE36). Also called: Epileptic encephalopathy, early infantile, 36; ALG13-CDG; Congenital disorder of glycosylation, type Is. Identifiers: Orphanet 324422, MedGen C4317295, MONDO:0010472, OMIM 300884.

Allele frequency attached by ClinVar (database versions not stated): gnomAD exomes below 0.00001; TOPMed 0.00001.
gnomAD v4.1: 5 of 1,211,036 alleles (0.00041%); highest among the groups gnomAD compares: Non-Finnish European, 0.00056%; no homozygotes.

Submissions (2):

GeneDx
Classification: Uncertain significance. Last evaluated: 2024-06-17. Review status: criteria provided, single submitter. Criteria: GeneDx Variant Classification Process June 2021. Collection method: clinical testing. Allele origin: germline. Affected: yes.
Comment: Not observed at significant frequency in large population cohorts (gnomAD); In silico analysis supports that this missense variant has a deleterious effect on protein structure/function; Has not been previously published as pathogenic or benign to our knowledge

Labcorp Genetics (formerly Invitae), Labcorp
Classification: Uncertain significance for Developmental and epileptic encephalopathy, 36. Last evaluated: 2021-08-30. Review status: criteria provided, single submitter. Criteria: Invitae Variant Classification Sherloc (09022015). Collection method: clinical testing. Allele origin: germline.
Comment: This sequence change replaces proline with leucine at codon 1087 of the ALG13 protein (p.Pro1087Leu). The proline residue is highly conserved and there is a moderate physicochemical difference between proline and leucine. This variant is not present in population databases (ExAC no frequency). This variant has not been reported in the literature in individuals affected with ALG13-related conditions. Algorithms developed to predict the effect of missense changes on protein structure and function are either unavailable or do not agree on the potential impact of this missense change (SIFT: "Deleterious"; PolyPhen-2: "Probably Damaging"; Align-GVGD: "Class C15"). In summary, the available evidence is currently insufficient to determine the role of this variant in disease. Therefore, it has been classified as a Variant of Uncertain Significance.